The following is an entry in ClinVar:

ClinVar aggregate classification (germline): Benign/Likely benign. Review status: criteria provided, multiple submitters, no conflicts (2 of 4 stars). 4 submissions from 4 submitters: Benign (1); Likely benign (3). Last evaluated 2025-08-12.

Conditions:
Hereditary cancer-predisposing syndrome. Also called: Hereditary Cancer Syndrome; Neoplastic Syndromes, Hereditary; Tumor predisposition; Hereditary neoplastic syndrome. Identifiers: Orphanet 140162, MedGen C0027672, MeSH D009386, MONDO:0015356.
Familial melanoma. Also called: Hereditary melanoma; Hereditary cutaneous melanoma. Identifiers: Orphanet 618, MedGen C1512419, MONDO:0018961.
Melanoma-pancreatic cancer syndrome. Identifiers: Orphanet 404560, MedGen C1838547, MONDO:0011713, OMIM 606719. Disease mechanism: loss of function.

Allele frequency attached by ClinVar (database versions not stated): TOPMed below 0.00001.
gnomAD v4.1: 3 of 1,604,944 alleles (0.00019%); highest among the groups gnomAD compares: Non-Finnish European, 0.00026%; no homozygotes.

Submissions (4):

Myriad Genetics, Inc.
Classification: Benign for Melanoma-pancreatic cancer syndrome. Last evaluated: 2025-08-12. Review status: criteria provided, single submitter. Criteria: Myriad Autosomal Dominant, Autosomal Recessive and X-Linked Classification Criteria (2023). Collection method: clinical testing. Allele origin: unknown.
Comment: This variant is considered benign. This variant is a silent/synonymous amino acid change and it is not expected to impact splicing.

Ambry Genetics
Classification: Likely benign for Hereditary cancer-predisposing syndrome. Last evaluated: 2022-11-23. Review status: criteria provided, single submitter. Criteria: Ambry Variant Classification Scheme 2023. Collection method: clinical testing. Allele origin: germline.

Labcorp Genetics (formerly Invitae), Labcorp
Classification: Likely benign for Familial melanoma. Last evaluated: 2021-08-16. Review status: criteria provided, single submitter. Criteria: Invitae Variant Classification Sherloc (09022015). Collection method: clinical testing. Allele origin: germline.

GeneDx
Classification: Likely benign. Last evaluated: 2017-12-26. Review status: criteria provided, single submitter. Criteria: GeneDx Variant Classification (06012015). Collection method: clinical testing. Allele origin: germline. Affected: yes.
Comment: This variant is considered likely benign or benign based on one or more of the following criteria: it is a conservative change, it occurs at a poorly conserved position in the protein, it is predicted to be benign by multiple in silico algorithms, and/or has population frequency not consistent with disease.

NM_058195.4(CDKN2A):c.30G>A (p.Arg10=)

Gene: CDKN2A (cyclin dependent kinase inhibitor 2A; minus strand). Cytogenetic location: 9p21.3.
Variant type: single nucleotide variant.
Coding change: c.30G>A on transcript NM_058195.4 (MANE Plus Clinical); coding-DNA position 30, G replaced by A.
Protein change: p.Arg10=; no amino-acid change (arginine 10 retained).
Molecular consequence: synonymous variant. On other transcripts: intron variant (1).
Genome position (GRCh38, 1-based): chr9:21,994,302, C>T on the plus strand (G>A on the coding strand, the complement: CDKN2A is on the minus strand). VCF-style: chr9-21994302-C-T. GRCh37 (hg19) VCF-style: chr9-21994301-C-T.
Other names: c.-4+519G>A (NM_001363763.2).
Identifiers: ClinVar variation 516489 (VCV000516489.9), dbSNP rs876658436, ClinGen allele CA464100375.